The following is an entry in ClinVar:

NM_177438.3(DICER1):c.307+17T>G

Gene: DICER1 (dicer 1, ribonuclease III; minus strand). Cytogenetic location: 14q32.13.
Variant type: single nucleotide variant.
Coding change: c.307+17T>G on transcript NM_177438.3 (MANE Select); 17 bases into the intron after coding-DNA position 307, T replaced by G.
Molecular consequence: intron variant.
Genome position (GRCh38, 1-based): chr14:95,132,498, A>C on the plus strand (T>G on the coding strand, the complement: DICER1 is on the minus strand). VCF-style: chr14-95132498-A-C. GRCh37 (hg19) VCF-style: chr14-95598835-A-C.
Other names: c.307+17T>G (NM_001291628.2, NM_030621.4, NM_001271282.3 and 1 more transcripts).
Identifiers: ClinVar variation 512287 (VCV000512287.10), dbSNP rs777507795, ClinGen allele CA7331697.
Genomic context (GRCh38, chr14:95,132,498, plus strand): 5'-AAACACAGAAAATCTGTTTAAACATAAAATCCCATCCAATTTCCCCTGCACAACTTGATA[A>C]AATAATTTTTTATTACCAGAGTTGACCAAGAACACCGTCCTTTTTCCATTTCTGCTGAAG-3'

ClinVar aggregate classification (germline): Benign/Likely benign. Review status: criteria provided, multiple submitters, no conflicts (2 of 4 stars). 2 submissions from 2 submitters: Benign (1); Likely benign (1). Last evaluated 2026-01-10.

Conditions:
DICER1-related tumor predisposition. Also called: DICER1-related pleuropulmonary blastoma cancer predisposition syndrome; DICER1 syndrome. Identifiers: Orphanet 284343, MedGen C3839822, MONDO:0100216.

Allele frequency attached by ClinVar (database versions not stated): gnomAD exomes 0.00005 and 0.00011; ExAC 0.00010; gnomAD 0.00001; TOPMed 0.00004.
gnomAD v4.1: 30 of 1,613,344 alleles (0.0019%); highest among the groups gnomAD compares: Admixed American, 0.048%; no homozygotes.

Submissions (2):

Labcorp Genetics (formerly Invitae), Labcorp
Classification: Benign for DICER1-related tumor predisposition. Last evaluated: 2026-01-10. Review status: criteria provided, single submitter. Criteria: Invitae Variant Classification Sherloc (09022015). Collection method: clinical testing. Allele origin: germline.

GeneDx
Classification: Likely benign. Last evaluated: 2017-09-27. Review status: criteria provided, single submitter. Criteria: GeneDx Variant Classification (06012015). Collection method: clinical testing. Allele origin: germline. Affected: yes.
Comment: This variant is considered likely benign or benign based on one or more of the following criteria: it is a conservative change, it occurs at a poorly conserved position in the protein, it is predicted to be benign by multiple in silico algorithms, and/or has population frequency not consistent with disease.